The following is an entry in ClinVar:

ClinVar aggregate classification (germline): Uncertain significance (1 of 4 stars; one submission).

Submission:

GeneDx
Classification: Uncertain significance. Last evaluated: 2025-05-28. Review status: criteria provided, single submitter. Criteria: GeneDx Variant Classification Process June 2021. Collection method: clinical testing. Allele origin: germline. Affected: yes.
Comment: Not observed at significant frequency in large population cohorts (gnomAD); In silico analysis suggests that this missense variant does not alter protein structure/function; Has not been previously published as pathogenic or benign to our knowledge; This variant is associated with the following publications: (PMID: 21520338, 31554319, 9590290)

NM_005422.4(TECTA):c.5020G>A (p.Ala1674Thr)

Genes: TBCEL-TECTA (TBCEL-TECTA readthrough; plus strand), TECTA (tectorin alpha; plus strand). Cytogenetic location: 11q23.3.
Variant type: single nucleotide variant.
Coding change: c.5020G>A on transcript NM_005422.4 (MANE Select); coding-DNA position 5020, G replaced by A.
Protein change: p.Ala1674Thr; replaces alanine 1674 with threonine.
Molecular consequence: missense variant.
Genome position (GRCh38, 1-based): chr11:121,162,118, G>A. VCF-style: chr11-121162118-G-A. GRCh37 (hg19) VCF-style: chr11-121032827-G-A.
Other names: c.5962G>A, p.Ala1988Thr (NM_001378761.1); short protein forms A1674T, A1988T.
Identifiers: ClinVar variation 4532443 (VCV004532443.1).